The following is an entry in ClinVar:

NM_000038.6(APC):c.5784G>A (p.Gln1928=)

Gene: APC (APC regulator of Wnt signaling pathway; plus strand). Cytogenetic location: 5q22.2.
Variant type: single nucleotide variant.
Coding change: c.5784G>A on transcript NM_000038.6 (MANE Select); coding-DNA position 5784, G replaced by A.
Protein change: p.Gln1928=; no amino-acid change (glutamine 1928 retained).
Molecular consequence: synonymous variant.
Genome position (GRCh38, 1-based): chr5:112,841,378, G>A. VCF-style: chr5-112841378-G-A. GRCh37 (hg19) VCF-style: chr5-112177075-G-A.
Other names: c.5784G>A, p.Gln1928= (NM_001127510.3, NM_001354895.2); c.5730G>A, p.Gln1910= (NM_001127511.3); c.5838G>A, p.Gln1946= (NM_001354896.2); c.5814G>A, p.Gln1938= (NM_001354897.2); c.5709G>A, p.Gln1903= (NM_001354898.2); c.5700G>A, p.Gln1900= (NM_001354899.2); c.5661G>A, p.Gln1887= (NM_001354900.2); c.5607G>A, p.Gln1869= (NM_001354901.2); and 5 more.
Identifiers: ClinVar variation 416724 (VCV000416724.23), dbSNP rs761186363, ClinGen allele CA042982.
Genomic context (GRCh38, chr5:112,841,378, plus strand): 5'-TAAGACACAAGCTATTGCAAAGCAGCCAATAAATCGAGGTCAGCCTAAACCCATACTTCA[G>A]AAACAATCCACTTTTCCCCAGTCATCCAAAGACATACCAGACAGAGGGGCAGCAACTGAT-3'
Protein context (NP_000029.2, residues 1918-1938): INRGQPKPIL[Gln1928=]KQSTFPQSSK

ClinVar aggregate classification (germline): Benign/Likely benign. Review status: criteria provided, multiple submitters, no conflicts (2 of 4 stars). 8 submissions from 8 submitters: Benign (1); Likely benign (7). Last evaluated 2025-11-09.

Conditions:
Classic or attenuated familial adenomatous polyposis. Identifiers: MedGen CN372698, MONDO:0021057.
Hereditary cancer-predisposing syndrome. Also called: Tumor predisposition; Hereditary Cancer Syndrome; Hereditary neoplastic syndrome; Neoplastic Syndromes, Hereditary. Identifiers: Orphanet 140162, MedGen C0027672, MeSH D009386, MONDO:0015356.
Familial adenomatous polyposis 1 (FAP1). Also called: FAMILIAL ADENOMATOUS POLYPOSIS 1, ATTENUATED; POLYPOSIS, ADENOMATOUS INTESTINAL. Identifiers: MedGen C2713442, MONDO:0021056, OMIM 175100. Disease mechanism: loss of function.

Allele frequency attached by ClinVar (database versions not stated): gnomAD exomes 0.00001; ExAC 0.00002.
gnomAD v4.1: 14 of 1,613,698 alleles (0.00087%); highest among the groups gnomAD compares: Non-Finnish European, 0.0012%; no homozygotes.

Submissions (8):

Labcorp Genetics (formerly Invitae), Labcorp
Classification: Likely benign for Familial adenomatous polyposis 1. Last evaluated: 2025-11-09. Review status: criteria provided, single submitter. Criteria: Invitae Variant Classification Sherloc (09022015). Collection method: clinical testing. Allele origin: germline.

Blueprint Genetics
Classification: Likely benign. Last evaluated: 2024-07-15. Review status: criteria provided, single submitter. Criteria: ACMG Guidelines, 2015. Collection method: clinical testing. Allele origin: germline.

All of Us Research Program, National Institutes of Health
Classification: Likely benign for Classic or attenuated familial adenomatous polyposis. Last evaluated: 2024-06-11. Review status: criteria provided, single submitter. Criteria: ACMG Guidelines, 2015. Collection method: clinical testing. Allele origin: germline. Inheritance: Autosomal dominant inheritance. Observed: 2 variant alleles, 2 heterozygotes.
Comment: This study involves interpretation of variants in research participants for the purpose of population health screening. Participant phenotype was not available at the time of variant classification. Additional details can be found in publication PMID: 35346344, PMCID: PMC8962531

Myriad Genetics, Inc.
Classification: Benign for Familial adenomatous polyposis 1. Last evaluated: 2024-04-02. Review status: criteria provided, single submitter. Criteria: Myriad Autosomal Dominant, Autosomal Recessive and X-Linked Classification Criteria (2023). Collection method: clinical testing. Allele origin: unknown.
Comment: This variant is considered benign. This variant is a silent/synonymous amino acid change and it is not expected to impact splicing.

Women's Health and Genetics/Laboratory Corporation of America, LabCorp
Classification: Likely benign. Last evaluated: 2019-08-20. Review status: criteria provided, single submitter. Criteria: LabCorp Variant Classification Summary - May 2015. Collection method: clinical testing. Allele origin: germline.

Color Diagnostics, LLC DBA Color Health
Classification: Likely benign for Hereditary cancer-predisposing syndrome. Last evaluated: 2018-03-27. Review status: criteria provided, single submitter. Criteria: ACMG Guidelines, 2015. Collection method: clinical testing. Allele origin: germline.

GeneDx
Classification: Likely benign. Last evaluated: 2017-04-13. Review status: criteria provided, single submitter. Criteria: GeneDx Variant Classification (06012015). Collection method: clinical testing. Allele origin: germline. Affected: yes.
Comment: This variant is considered likely benign or benign based on one or more of the following criteria: it is a conservative change, it occurs at a poorly conserved position in the protein, it is predicted to be benign by multiple in silico algorithms, and/or has population frequency not consistent with disease.

Ambry Genetics
Classification: Likely benign for Hereditary cancer-predisposing syndrome. Last evaluated: 2015-12-22. Review status: criteria provided, single submitter. Criteria: Ambry Variant Classification Scheme 2023. Collection method: clinical testing. Allele origin: germline.